The following is an entry in ClinVar:

ClinVar aggregate classification (germline): Pathogenic/Likely pathogenic. Review status: criteria provided, multiple submitters, no conflicts (2 of 4 stars). 2 submissions from 2 submitters: Pathogenic (1); Likely pathogenic (1). Last evaluated 2025-10-09.

Conditions:
NOTCH3-related disorder. Also called: NOTCH3-related condition; NOTCH3-related disorders.

Submissions (2):

Athena Diagnostics
Classification: Pathogenic. Last evaluated: 2025-10-09. Review status: criteria provided, single submitter. Criteria: Athena Diagnostics Criteria. Collection method: clinical testing. Allele origin: unknown.
Comment: This variant alters a critical location within the protein, and is expected to severely affect function and cause disease. The frequency of this variant in the general population is consistent with pathogenicity. This variant has been identified in at least one individual with autosomal dominant cerebral arteriopathy with subcortical infarcts and leukoencephalopathy (CADASIL). Greater than 90% of NOTCH3 pathogenic variants associated with CADASIL involve the gain or loss of a cysteine residue within the epidermal growth factor (EGF)-like repeat domain (PMID: 32457593, 20301673).

Blueprint Genetics
Classification: Likely pathogenic for NOTCH3-related disorders. Last evaluated: 2022-02-02. Review status: criteria provided, single submitter. Criteria: ACMG Guidelines, 2015. Collection method: clinical testing. Allele origin: germline. Affected: yes. Observed: 1 variant allele.

Literature cited by the submitters: PubMed 36380532 (cited by Athena Diagnostics).

NM_000435.3(NOTCH3):c.454G>T (p.Gly152Cys)

Gene: NOTCH3 (notch receptor 3; minus strand). Cytogenetic location: 19p13.12.
Variant type: single nucleotide variant.
Coding change: c.454G>T on transcript NM_000435.3 (MANE Select); coding-DNA position 454, G replaced by T.
Protein change: p.Gly152Cys; replaces glycine 152 with cysteine.
Molecular consequence: missense variant.
Genome position (GRCh38, 1-based): chr19:15,192,185, C>A on the plus strand (G>T on the coding strand, the complement: NOTCH3 is on the minus strand). VCF-style: chr19-15192185-C-A. GRCh37 (hg19) VCF-style: chr19-15302996-C-A.
Other names: short protein forms G152C.
Identifiers: ClinVar variation 4682145 (VCV004682145.2).